The following is an entry in ClinVar:

ClinVar aggregate classification (germline): Uncertain significance (1 of 4 stars; one submission).

Conditions:
Limb-girdle muscular dystrophy due to POMK deficiency. Also called: MUSCULAR DYSTROPHY-DYSTROGLYCANOPATHY, LIMB-GIRDLE, POMK-RELATED; Muscular dystrophy-dystroglycanopathy (limb-girdle), type c, 12. Identifiers: Orphanet 445110, MedGen C4015184, MONDO:0014489, OMIM 616094.
Muscular dystrophy-dystroglycanopathy (congenital with brain and eye anomalies), type a, 12 (MDDGA12). Also called: WALKER-WARBURG SYNDROME OR MUSCLE-EYE-BRAIN DISEASE, POMK-RELATED. Identifiers: Orphanet 899, MedGen C3808964, MONDO:0014101, OMIM 615249.

gnomAD v4.1: 7 of 1,614,142 alleles (0.00043%); highest among the groups gnomAD compares: South Asian, 0.0044%; no homozygotes.

Submission:

Labcorp Genetics (formerly Invitae), Labcorp
Classification: Uncertain significance for Muscular dystrophy-dystroglycanopathy (congenital with brain and eye anomalies), type a, 12; Limb-girdle muscular dystrophy due to POMK deficiency. Last evaluated: 2022-03-13. Review status: criteria provided, single submitter. Criteria: Invitae Variant Classification Sherloc (09022015). Collection method: clinical testing. Allele origin: germline.
Comment: Algorithms developed to predict the effect of missense changes on protein structure and function are either unavailable or do not agree on the potential impact of this missense change (SIFT: "Deleterious"; PolyPhen-2: "Possibly Damaging"; Align-GVGD: "Class C0"). This variant has not been reported in the literature in individuals affected with POMK-related conditions. This variant is not present in population databases (gnomAD no frequency). This sequence change replaces alanine, which is neutral and non-polar, with serine, which is neutral and polar, at codon 324 of the POMK protein (p.Ala324Ser). In summary, the available evidence is currently insufficient to determine the role of this variant in disease. Therefore, it has been classified as a Variant of Uncertain Significance.

NM_032237.5(POMK):c.970G>T (p.Ala324Ser)

Gene: POMK (protein O-mannose kinase; plus strand). Cytogenetic location: 8p11.21.
Variant type: single nucleotide variant.
Coding change: c.970G>T on transcript NM_032237.5 (MANE Select); coding-DNA position 970, G replaced by T.
Protein change: p.Ala324Ser; replaces alanine 324 with serine.
Molecular consequence: missense variant.
Genome position (GRCh38, 1-based): chr8:43,122,794, G>T. VCF-style: chr8-43122794-G-T. GRCh37 (hg19) VCF-style: chr8-42977937-G-T.
Other names: c.970G>T, p.Ala324Ser (NM_001277971.2); short protein forms A324S.
Identifiers: ClinVar variation 2142272 (VCV002142272.4), dbSNP rs2486781405, ClinGen allele CA371123080.